The following is an entry in ClinVar:

NM_020117.11(LARS1):c.1287G>C (p.Val429=)

Gene: LARS1 (leucyl-tRNA synthetase 1; minus strand). Cytogenetic location: 5q32.
Variant type: single nucleotide variant.
Coding change: c.1287G>C on transcript NM_020117.11 (MANE Select); coding-DNA position 1287, G replaced by C.
Protein change: p.Val429=; no amino-acid change (valine 429 retained).
Molecular consequence: synonymous variant.
Genome position (GRCh38, 1-based): chr5:146,152,000, C>G on the plus strand (G>C on the coding strand, the complement: LARS1 is on the minus strand). VCF-style: chr5-146152000-C-G. GRCh37 (hg19) VCF-style: chr5-145531563-C-G.
Other names: c.1149G>C, p.Val383= (NM_001317964.2); c.1125G>C, p.Val375= (NM_001317965.2); c.1206G>C, p.Val402= (NM_016460.4).
Identifiers: ClinVar variation 391792 (VCV000391792.1), dbSNP rs1033362535, ClinGen allele CA16604824.
Genomic context (GRCh38, chr5:146,152,000, plus strand): 5'-CAACTCATCACAAATGGTTACAGCAGAAAGATTTCCAAAACCTGGGATTTCAATGACTGG[C>G]ACCTGCAGCAAACAGCAATCAGGAACGTGTTCACACTGACTGGACACACAGCTCTGTAGG-3'
Protein context (NP_064502.9, residues 419-439): RDDMVLPFEP[Val429=]PVIEIPGFGN

ClinVar aggregate classification (germline): Likely benign (1 of 4 stars; one submission).

Submission:

GeneDx
Classification: Likely benign. Last evaluated: 2016-12-19. Review status: criteria provided, single submitter. Criteria: GeneDx Variant Classification (06012015). Collection method: clinical testing. Allele origin: germline. Affected: yes.
Comment: This variant is considered likely benign or benign based on one or more of the following criteria: it is a conservative change, it occurs at a poorly conserved position in the protein, it is predicted to be benign by multiple in silico algorithms, and/or has population frequency not consistent with disease.